The following is an entry in ClinVar:

ClinVar aggregate classification (germline): Uncertain significance (1 of 4 stars; one submission).

Conditions:
Autosomal recessive limb-girdle muscular dystrophy type 2W (MDRCMTT). Also called: Muscular dystrophy, autosomal recessive, with cardiomyopathy and triangular tongue; Muscular dystrophy, limb-girdle, type 2W. Identifiers: MedGen C4225192, MONDO:0014788, OMIM 616827.

Allele frequency attached by ClinVar (database versions not stated): gnomAD 0.00001; TOPMed 0.00001; ExAC 0.00003; gnomAD exomes 0.00003.
gnomAD v4.1: 26 of 1,611,192 alleles (0.0016%); highest among the groups gnomAD compares: Admixed American, 0.013%; no homozygotes.

Submission:

Labcorp Genetics (formerly Invitae), Labcorp
Classification: Uncertain significance for Autosomal recessive limb-girdle muscular dystrophy type 2W. Last evaluated: 2022-07-26. Review status: criteria provided, single submitter. Criteria: Invitae Variant Classification Sherloc (09022015). Collection method: clinical testing. Allele origin: germline.
Comment: Algorithms developed to predict the effect of missense changes on protein structure and function (SIFT, PolyPhen-2, Align-GVGD) all suggest that this variant is likely to be disruptive. In summary, the available evidence is currently insufficient to determine the role of this variant in disease. Therefore, it has been classified as a Variant of Uncertain Significance. ClinVar contains an entry for this variant (Variation ID: 1372918). This variant has not been reported in the literature in individuals affected with LIMS2-related conditions. This variant is present in population databases (rs775450533, gnomAD 0.02%). This sequence change replaces arginine, which is basic and polar, with histidine, which is basic and polar, at codon 39 of the LIMS2 protein (p.Arg39His).

NM_001161403.3(LIMS2):c.50G>A (p.Arg17His)

Gene: LIMS2 (LIM zinc finger domain containing 2; minus strand). Cytogenetic location: 2q14.3.
Variant type: single nucleotide variant.
Coding change: c.50G>A on transcript NM_001161403.3 (MANE Select); coding-DNA position 50, G replaced by A.
Protein change: p.Arg17His; replaces arginine 17 with histidine.
Molecular consequence: missense variant.
Genome position (GRCh38, 1-based): chr2:127,657,524, C>T on the plus strand (G>A on the coding strand, the complement: LIMS2 is on the minus strand). VCF-style: chr2-127657524-C-T. GRCh37 (hg19) VCF-style: chr2-128415098-C-T.
Other names: c.116G>A, p.Arg39His (NM_001136037.4); c.35G>A, p.Arg12His (NM_001161404.2); c.122G>A, p.Arg41His (NM_017980.5); short protein forms R12H, R41H, R39H, R17H.
Identifiers: ClinVar variation 1372918 (VCV001372918.6), dbSNP rs775450533, ClinGen allele CA1863590.
Genomic context (GRCh38, chr2:127,657,524, plus strand): 5'-TGGTACAGCTCCCCATTGCTGTTGACAATGCGCTCGGCGGGGGAGAAGCGGGCCTGGCAG[C>T]GCTGGCACACGGCGTTGGCCAAGGCGTCCGACATATTGCTGGGGGCAGGAGACAGGAGGA-3'
Protein context (NP_001154875.1, residues 7-27): SDALANAVCQ[Arg17His]CQARFSPAER